The following is an entry in ClinVar:

ClinVar aggregate classification (germline): Uncertain significance. Review status: criteria provided, multiple submitters, no conflicts (2 of 4 stars). 3 submissions from 3 submitters: Uncertain significance (2). 1 of the submissions does not count toward it. Last evaluated 2025-03-04.

Conditions:
VPS13B-related disorder. Also called: VPS13B-related condition.
Cohen syndrome (COH1). Also called: Cutis verticis gyrata, retinitis pigmentosa, and sensorineural deafness; PEPPER SYNDROME. Identifiers: Orphanet 193, MedGen C0265223, MONDO:0008999, OMIM 216550.

Allele frequency attached by ClinVar (database versions not stated): TOPMed below 0.00001; gnomAD exomes 0.00001.
gnomAD v4.1: 13 of 1,614,164 alleles (0.00081%); highest among the groups gnomAD compares: Admixed American, 0.005%; no homozygotes.

Submissions (3):

PreventionGenetics, part of Exact Sciences
Classification: Uncertain significance for VPS13B-related condition. Last evaluated: 2025-03-04. Review status: criteria provided, single submitter. Criteria: ACMG Guidelines, 2015. Collection method: clinical testing. Allele origin: germline.
Comment: The VPS13B c.5701A>G variant is predicted to result in the amino acid substitution p.Arg1901Gly. To our knowledge, this variant has not been reported in the literature. This variant is reported in 0.0058% of alleles in individuals of Latino descent in gnomAD. At this time, the clinical significance of this variant is uncertain due to the absence of conclusive functional and genetic evidence.

Labcorp Genetics (formerly Invitae), Labcorp
Classification: Uncertain significance for Cohen syndrome. Last evaluated: 2022-07-26. Review status: criteria provided, single submitter. Criteria: Invitae Variant Classification Sherloc (09022015). Collection method: clinical testing. Allele origin: germline.
Comment: This sequence change replaces arginine, which is basic and polar, with glycine, which is neutral and non-polar, at codon 1926 of the VPS13B protein (p.Arg1926Gly). This variant is present in population databases (no rsID available, gnomAD 0.006%). This variant has not been reported in the literature in individuals affected with VPS13B-related conditions. ClinVar contains an entry for this variant (Variation ID: 644540). Algorithms developed to predict the effect of missense changes on protein structure and function are either unavailable or do not agree on the potential impact of this missense change (SIFT: "Not Available"; PolyPhen-2: "Possibly Damaging"; Align-GVGD: "Not Available"). Algorithms developed to predict the effect of sequence changes on RNA splicing suggest that this variant may create or strengthen a splice site. In summary, the available evidence is currently insufficient to determine the role of this variant in disease. Therefore, it has been classified as a Variant of Uncertain Significance.

Natera, Inc.
Classification: Uncertain significance for Cohen syndrome. Last evaluated: 2021-08-23. Review status: no assertion criteria provided. Collection method: clinical testing. Allele origin: germline. Not counted in ClinVar's aggregate classification.

NM_152564.5(VPS13B):c.5701A>G (p.Arg1901Gly)

Gene: VPS13B (vacuolar protein sorting 13 homolog B; plus strand). Cytogenetic location: 8q22.2.
Variant type: single nucleotide variant.
Coding change: c.5701A>G on transcript NM_152564.5 (MANE Select); coding-DNA position 5701, A replaced by G.
Protein change: p.Arg1901Gly; replaces arginine 1901 with glycine.
Molecular consequence: missense variant.
Genome position (GRCh38, 1-based): chr8:99,642,291, A>G. VCF-style: chr8-99642291-A-G. GRCh37 (hg19) VCF-style: chr8-100654519-A-G.
Other names: c.5776A>G, p.Arg1926Gly (NM_017890.5); c.5701A>G (NM_152564.4); short protein forms R1926G, R1901G.
Identifiers: ClinVar variation 644540 (VCV000644540.11), dbSNP rs1176179128, ClinGen allele CA371873126.